The following is an entry in ClinVar:

ClinVar aggregate classification (germline): Uncertain significance. Review status: criteria provided, multiple submitters, no conflicts (2 of 4 stars). 2 submissions from 2 submitters: Uncertain significance (2). Last evaluated 2025-11-26.

Submissions (2):

Ambry Genetics
Classification: Uncertain significance. Last evaluated: 2025-11-26. Review status: criteria provided, single submitter. Criteria: Ambry Variant Classification Scheme 2023. Collection method: clinical testing. Allele origin: germline.

Labcorp Genetics (formerly Invitae), Labcorp
Classification: Uncertain significance. Last evaluated: 2025-09-13. Review status: criteria provided, single submitter. Criteria: Invitae Variant Classification Sherloc (09022015). Collection method: clinical testing. Allele origin: germline.
Comment: This sequence change replaces arginine, which is basic and polar, with histidine, which is basic and polar, at codon 253 of the TSEN34 protein (p.Arg253His). This variant is present in population databases (rs748455127, gnomAD 0.003%). This variant has not been reported in the literature in individuals affected with TSEN34-related conditions. An algorithm developed to predict the effect of missense changes on protein structure and function (PolyPhen-2) suggests that this variant is likely to be disruptive. In summary, the available evidence is currently insufficient to determine the role of this variant in disease. Therefore, it has been classified as a Variant of Uncertain Significance.

NM_001077446.4(TSEN34):c.758G>A (p.Arg253His)

Gene: TSEN34 (tRNA splicing endonuclease subunit 34; plus strand). Cytogenetic location: 19q13.42.
Variant type: single nucleotide variant.
Coding change: c.758G>A on transcript NM_001077446.4 (MANE Select); coding-DNA position 758, G replaced by A.
Protein change: p.Arg253His; replaces arginine 253 with histidine.
Molecular consequence: missense variant.
Genome position (GRCh38, 1-based): chr19:54,193,187, G>A. VCF-style: chr19-54193187-G-A. GRCh37 (hg19) VCF-style: chr19-54697042-G-A.
Other names: c.758G>A, p.Arg253His (NM_001282332.2, NM_001282333.2, NM_001386740.1 and 1 more transcripts); short protein forms R253H.
Identifiers: ClinVar variation 4599781 (VCV004599781.2).